The following is an entry in ClinVar:

NM_025114.4(CEP290):c.3205_3206delinsTG (p.Glu1069Ter)

Gene: CEP290 (centrosomal protein 290; minus strand). Cytogenetic location: 12q21.32.
Variant type: Indel.
Coding change: c.3205_3206delinsTG on transcript NM_025114.4 (MANE Select); coding-DNA positions 3205 to 3206, GA replaced by TG.
Protein change: p.Glu1069Ter; replaces glutamic acid 1069 with a stop codon.
Molecular consequence: nonsense.
Genome position (GRCh38, 1-based): chr12:88,093,873-88,093,874, TC replaced by CA on the plus strand (GA replaced by TG on the coding strand, the reverse complement: CEP290 is on the minus strand). VCF-style: chr12-88093873-TC-CA. GRCh37 (hg19) VCF-style: chr12-88487650-TC-CA.
Other names: c.3205_3206delGAinsTG (NM_025114.3); short protein forms E1069*.
Identifiers: ClinVar variation 530917 (VCV000530917.7), dbSNP rs1555212150, ClinGen allele CA658797939.

ClinVar aggregate classification (germline): Pathogenic (1 of 4 stars; one submission).

Conditions:
Meckel-Gruber syndrome. Also called: DYSENCEPHALIA SPLANCHNOCYSTICA; GRUBER SYNDROME; Dysencephalia splachnocystica. Identifiers: Orphanet 564, MedGen C0265215, MONDO:0018921.
Joubert syndrome. Also called: CEREBELLOPARENCHYMAL DISORDER IV; JOUBERT-BOLTSHAUSER SYNDROME; Familial aplasia of the vermis. Identifiers: Orphanet 475, MedGen C5979921, MONDO:0018772.
Nephronophthisis. Also called: Juvenile Nephronophthisis. Identifiers: Orphanet 655, MedGen C0687120, MONDO:0019005, HP:0000090.

Submission:

Labcorp Genetics (formerly Invitae), Labcorp
Classification: Pathogenic for Joubert syndrome; Meckel-Gruber syndrome; Nephronophthisis. Last evaluated: 2017-08-13. Review status: criteria provided, single submitter. Criteria: Invitae Variant Classification Sherloc (09022015). Collection method: clinical testing. Allele origin: germline.
Comment: For these reasons, this variant has been classified as Pathogenic. Loss-of-function variants in CEP290 are known to be pathogenic (PMID: 16909394, 17345604, 20690115). This variant has not been reported in the literature in individuals with CEP290-related disease. This variant is not present in population databases (ExAC no frequency). This sequence change creates a premature translational stop signal (p.Glu1069*) in the CEP290 gene. It is expected to result in an absent or disrupted protein product.

Literature cited by the submitters: PubMed 16909394; PubMed 17345604; PubMed 20690115.